The following is an entry in ClinVar:

NC_000002.12:g.121531005A>G

Genes: CLASP1 (cytoplasmic linker associated protein 1; minus strand), CLASP1-AS1 (CLASP1 antisense RNA 1; plus strand), RNU4ATAC (RNA, U4atac small nuclear; plus strand). Cytogenetic location: 2q14.2.
Variant type: single nucleotide variant.
Molecular consequence: intron variant (on NM_001395891.1).
Genome position: GRCh38 VCF-style: chr2-121531005-A-G. GRCh37 (hg19) VCF-style: chr2-122288581-A-G.
Other names: c.196-680T>C (NM_001142274.2, NM_015282.3, NM_001378003.1 and 5 more transcripts).
Identifiers: ClinVar variation 1912299 (VCV001912299.2), dbSNP rs1053541578, ClinGen allele CA54811048.

ClinVar aggregate classification (germline): Uncertain significance (1 of 4 stars; one submission).

Allele frequency attached by ClinVar (database versions not stated): gnomAD exomes 0.00003.
gnomAD v4.1: 20 of 700,228 alleles (0.0029%); highest among the groups gnomAD compares: Admixed American, 0.014%; no homozygotes.

Submission:

Labcorp Genetics (formerly Invitae), Labcorp
Classification: Uncertain significance. Last evaluated: 2022-03-10. Review status: criteria provided, single submitter. Criteria: Invitae Variant Classification Sherloc (09022015). Collection method: clinical testing. Allele origin: germline.
Comment: This variant occurs in the RNU4ATAC gene, which encodes an RNA molecule that does not result in a protein product. This variant is present in population databases (no rsID available, gnomAD 0.009%). This variant has not been reported in the literature in individuals affected with RNU4ATAC-related conditions. Experimental studies and prediction algorithms are not available or were not evaluated, and the functional significance of this variant is currently unknown. In summary, the available evidence is currently insufficient to determine the role of this variant in disease. Therefore, it has been classified as a Variant of Uncertain Significance.